The following is an entry in ClinVar:

NM_002439.5(MSH3):c.268C>T (p.Pro90Ser)

Gene: MSH3 (mutS homolog 3; plus strand). Cytogenetic location: 5q14.1.
Variant type: single nucleotide variant.
Coding change: c.268C>T on transcript NM_002439.5 (MANE Select); coding-DNA position 268, C replaced by T.
Protein change: p.Pro90Ser; replaces proline 90 with serine.
Molecular consequence: missense variant.
Genome position (GRCh38, 1-based): chr5:80,656,441, C>T. VCF-style: chr5-80656441-C-T. GRCh37 (hg19) VCF-style: chr5-79952260-C-T.
Other names: c.268C>T (NM_002439.3); short protein forms P90S.
Identifiers: ClinVar variation 1474270 (VCV001474270.9), dbSNP rs772032731, ClinGen allele CA360266199.

ClinVar aggregate classification (germline): Uncertain significance. Review status: criteria provided, multiple submitters, no conflicts (2 of 4 stars). 3 submissions from 3 submitters: Uncertain significance (3). Last evaluated 2025-03-18.

Conditions:
Hereditary cancer-predisposing syndrome. Also called: Neoplastic Syndromes, Hereditary; Hereditary Cancer Syndrome; Tumor predisposition; Hereditary neoplastic syndrome. Identifiers: Orphanet 140162, MedGen C0027672, MeSH D009386, MONDO:0015356.

gnomAD v4.1: 2 of 1,614,040 alleles (0.00012%); highest among the groups gnomAD compares: Admixed American, 0.0017%; no homozygotes.

Submissions (3):

Labcorp Genetics (formerly Invitae), Labcorp
Classification: Uncertain significance. Last evaluated: 2025-03-18. Review status: criteria provided, single submitter. Criteria: Invitae Variant Classification Sherloc (09022015). Collection method: clinical testing. Allele origin: germline.
Comment: This sequence change replaces proline, which is neutral and non-polar, with serine, which is neutral and polar, at codon 90 of the MSH3 protein (p.Pro90Ser). This variant is not present in population databases (gnomAD no frequency). This variant has not been reported in the literature in individuals affected with MSH3-related conditions. ClinVar contains an entry for this variant (Variation ID: 1474270). An algorithm developed to predict the effect of missense changes on protein structure and function outputs the following: PolyPhen-2: "Benign". The serine amino acid residue is found in multiple mammalian species, which suggests that this missense change does not adversely affect protein function. In summary, the available evidence is currently insufficient to determine the role of this variant in disease. Therefore, it has been classified as a Variant of Uncertain Significance.

Ambry Genetics
Classification: Uncertain significance for Hereditary cancer-predisposing syndrome. Last evaluated: 2023-04-06. Review status: criteria provided, single submitter. Criteria: Ambry Variant Classification Scheme 2023. Collection method: clinical testing. Allele origin: germline.
Comment: The p.P90S variant (also known as c.268C>T), located in coding exon 2 of the MSH3 gene, results from a C to T substitution at nucleotide position 268. The proline at codon 90 is replaced by serine, an amino acid with similar properties. This amino acid position is not well conserved in available vertebrate species, and serine is the reference amino acid in other vertebrate species. In addition, this alteration is predicted to be tolerated by in silico analysis. Since supporting evidence is limited at this time, the clinical significance of this alteration remains unclear.

Sema4
Classification: Uncertain significance for Hereditary cancer-predisposing syndrome. Last evaluated: 2021-12-20. Review status: criteria provided, single submitter. Criteria: Sema4 Curation Guidelines. Collection method: curation. Allele origin: germline.
Comment: The MSH3 c.268C>T (p.P90S) variant has not been reported in the literature to our knowledge. This variant is not reported in the population database Genome Aggregation Database (PMID: 32461654). This variant has not been reported in ClinVar. Functional studies have not been performed, and in silico predictions of the variant's effect on protein function are inconclusive. The evidence is insufficient to meet ACMG/AMP criteria for classifying the variant as benign or pathogenic. Thus, the clinical significance of this variant is currently uncertain.